The following is an entry in ClinVar:

NM_000313.4(PROS1):c.77-2A>G

Gene: PROS1 (protein S; minus strand). Cytogenetic location: 3q11.1.
Variant type: single nucleotide variant.
Coding change: c.77-2A>G on transcript NM_000313.4 (MANE Select); the canonical splice acceptor site of the intron before coding-DNA position 77, A replaced by G.
Molecular consequence: splice acceptor variant.
Genome position (GRCh38, 1-based): chr3:93,927,409, T>C on the plus strand (A>G on the coding strand, the complement: PROS1 is on the minus strand). VCF-style: chr3-93927409-T-C. GRCh37 (hg19) VCF-style: chr3-93646253-T-C.
Other names: c.173-2A>G (NM_001314077.2).
Identifiers: ClinVar variation 2731141 (VCV002731141.3), dbSNP rs2471793974, ClinGen allele CA353674753.

ClinVar aggregate classification (germline): Pathogenic (1 of 4 stars; one submission).

Conditions:
Thrombophilia due to protein S deficiency, autosomal recessive (THPH6). Identifiers: Orphanet 743, MedGen C3281092, MONDO:0013791, OMIM 614514. Disease mechanism: loss of function.

Submission:

Labcorp Genetics (formerly Invitae), Labcorp
Classification: Pathogenic for Thrombophilia due to protein S deficiency, autosomal recessive. Last evaluated: 2023-11-06. Review status: criteria provided, single submitter. Criteria: Invitae Variant Classification Sherloc (09022015). Collection method: clinical testing. Allele origin: germline.
Comment: This sequence change affects an acceptor splice site in intron 1 of the PROS1 gene. RNA analysis indicates that disruption of this splice site induces altered splicing and may result in an absent or disrupted protein product. This variant is not present in population databases (gnomAD no frequency). Disruption of this splice site has been observed in individuals with protein S deficiency (PMID: 10456456, 31068512; Invitae). Studies have shown that disruption of this splice site results in aberrant splicing of exon 2 and introduces a premature termination codon (PMID: 10456456). The resulting mRNA is expected to undergo nonsense-mediated decay. For these reasons, this variant has been classified as Pathogenic.

Literature cited by the submitters: PubMed 10456456; PubMed 31068512.